The following is an entry in ClinVar:

NM_000496.3(CRYBB2):c.479G>C (p.Arg160Pro)

Gene: CRYBB2 (crystallin beta B2; plus strand). Cytogenetic location: 22q11.23.
Variant type: single nucleotide variant.
Coding change: c.479G>C on transcript NM_000496.3 (MANE Select); coding-DNA position 479, G replaced by C.
Protein change: p.Arg160Pro; replaces arginine 160 with proline.
Molecular consequence: missense variant.
Genome position (GRCh38, 1-based): chr22:25,231,633, G>C. VCF-style: chr22-25231633-G-C. GRCh37 (hg19) VCF-style: chr22-25627600-G-C.
Other names: c.479G>C (NM_000496.2); short protein forms R160P.
Identifiers: ClinVar variation 1718159 (VCV001718159.8), dbSNP rs749837487, ClinGen allele CA410988196.
Genomic context (GRCh38, chr22:25,231,633, plus strand): 5'-GTTCACCCTCCCATCACCTCTGGCCCTGCAGGTGGGTTGGCTACCAGTACCCCGGCTACC[G>C]TGGGCTGCAGTACCTGCTGGAGAAGGGAGACTACAAGGACAGCAGCGACTTTGGGGCCCC-3'
Protein context (NP_000487.1, residues 150-170): TWVGYQYPGY[Arg160Pro]GLQYLLEKGD

ClinVar aggregate classification (germline): Uncertain significance. Review status: criteria provided, multiple submitters, no conflicts (2 of 4 stars). 3 submissions from 3 submitters: Uncertain significance (3). Last evaluated 2023-12-21.

Conditions:
Cataract 3 multiple types. Also called: CATARACT 3, MULTIPLE TYPES, WITH OR WITHOUT MICROCORNEA. Identifiers: Orphanet 1377, MedGen C1832175, MONDO:0011104, OMIM 601547.

Submissions (3):

Victorian Clinical Genetics Services, Murdoch Childrens Research Institute
Classification: Uncertain significance for Cataract 3 multiple types. Last evaluated: 2023-12-21. Review status: criteria provided, single submitter. Criteria: ACMG Guidelines, 2015. Collection method: clinical testing. Allele origin: germline. Inheritance: Autosomal dominant inheritance. Affected: yes.
Comment: Based on the classification scheme VCGS_Germline_v1.3.4, this variant is classified as VUS-3A. Following criteria are met: 0105 - The mechanism of disease for this gene is not clearly established. Both gain and loss of function mechanisms have been suggested, the former due to protein aggregation in the mitochondria, and the latter due to protein mislocalisation (PMID: 28131617). (I) 0107 - This gene is associated with autosomal dominant disease. (I) 0115 - Variants in this gene are known to have variable expressivity. Interfamilial and intrafamilial phenotypic variability have been observed for variants in this gene (OMIM). (I) 0200 - Variant is predicted to result in a missense amino acid change from arginine to proline. (I) 0251 - This variant is heterozygous. (I) 0301 - Variant is absent from gnomAD (both v2 and v3). (SP) 0309 - Multiple alternative amino acid changes at the same position have been observed in gnomAD (v2) (highest allele count: 5 heterozygotes, 0 homozygotes). (I) 0501 - Missense variant consistently predicted to be damaging by multiple in silico tools or highly conserved with a major amino acid change. (SP) 0600 - Variant is located in the annotated beta/gamma crystallin domain (DECIPHER). (I) 0705 - No comparable missense variants have previous evidence for pathogenicity. (I) 0808 - Previous reports of pathogenicity for this variant are conflicting. This variant has been classified as a VUS by two clinical laboratories in ClinVar, and has been observed as de novo in an individual with congenital cataract, microcornea and microphthalmia who also has a paternally inherited missense variant in the BEST1 gene (PMID: 37076855). (I) 0905 - No published segregation evidence has been identified for this variant. (I) 1007 - No published functional evidence has been identified for this variant. (I) 1208 - Inheritance information for this variant is not currently available in this individual. (I) Legend: (SP) - Supporting pathogenic, (I) - Information, (SB) - Supporting benign

Labcorp Genetics (formerly Invitae), Labcorp
Classification: Uncertain significance for Cataract 3 multiple types. Last evaluated: 2022-11-06. Review status: criteria provided, single submitter. Criteria: Invitae Variant Classification Sherloc (09022015). Collection method: clinical testing. Allele origin: germline.
Comment: This sequence change replaces arginine, which is basic and polar, with proline, which is neutral and non-polar, at codon 160 of the CRYBB2 protein (p.Arg160Pro). This variant is not present in population databases (gnomAD no frequency). This variant has not been reported in the literature in individuals affected with CRYBB2-related conditions. Algorithms developed to predict the effect of missense changes on protein structure and function (SIFT, PolyPhen-2, Align-GVGD) all suggest that this variant is likely to be disruptive. In summary, the available evidence is currently insufficient to determine the role of this variant in disease. Therefore, it has been classified as a Variant of Uncertain Significance.

Laboratorio de Genetica e Diagnostico Molecular, Hospital Israelita Albert Einstein
Classification: Uncertain significance for Cataract 3 multiple types. Last evaluated: 2022-07-27. Review status: criteria provided, single submitter. Criteria: ACMG Guidelines, 2015. Collection method: clinical testing. Allele origin: germline. Affected: yes. Observed: 1 variant allele.
Comment: ACMG classification criteria: PM2 moderated, PP3 supporting

Literature cited by the submitters: PubMed 28131617 (cited by Victorian Clinical Genetics Services, Murdoch Childrens Research Institute); PubMed 37076855 (cited by Victorian Clinical Genetics Services, Murdoch Childrens Research Institute).